The following is an entry in ClinVar:

ClinVar aggregate classification (germline): Uncertain significance (1 of 4 stars; one submission).

Conditions:
Charcot-Marie-Tooth disease type 2. Also called: Charcot-Marie-Tooth type 2. Identifiers: Orphanet 64746, MedGen C0270914, MONDO:0018993.

Submission:

Labcorp Genetics (formerly Invitae), Labcorp
Classification: Uncertain significance for Charcot-Marie-Tooth disease type 2. Last evaluated: 2021-05-18. Review status: criteria provided, single submitter. Criteria: Invitae Variant Classification Sherloc (09022015). Collection method: clinical testing. Allele origin: germline.
Comment: Experimental studies and prediction algorithms are not available or were not evaluated, and the functional significance of this variant is currently unknown. In summary, the available evidence is currently insufficient to determine the role of this variant in disease. Therefore, it has been classified as a Variant of Uncertain Significance. This variant has not been reported in the literature in individuals with KIF1B-related conditions. This variant is a gross deletion of the genomic region encompassing exon(s) 26-47 of the KIF1B gene. The 5' boundary is likely confined to intron 25. The 3' end of this event is unknown as it extends through the termination codon beyond the assayed region for this gene and may encompass additional genes. While this deletion is not anticipated to lead to nonsense mediated decay, it is expected to alter mRNA translation or result in a truncated protein product.

NC_000001.10:g.(?_10394568)_(10566215_?)del

Genes: CENPS (centromere protein S; plus strand), CENPS-CORT (CENPS-CORT readthrough; plus strand), CORT (cortistatin; plus strand), DFFA (DNA fragmentation factor subunit alpha; minus strand), KIF1B (kinesin family member 1B; plus strand) and 2 more. Cytogenetic location: 1p36.22.
Variant type: Deletion.
Identifiers: ClinVar variation 1444512 (VCV001444512.6).